The following is an entry in ClinVar:

NM_007194.4(CHEK2):c.76dup (p.Thr26fs)

Gene: CHEK2 (checkpoint kinase 2; minus strand). Cytogenetic location: 22q12.1.
Variant type: Duplication.
Coding change: c.76dup on transcript NM_007194.4 (MANE Select); coding-DNA position 76, one base duplicated (A; older notation c.76dupA).
Protein change: p.Thr26fs; shifts the reading frame from threonine 26.
Molecular consequence: frameshift variant.
Genome position (GRCh38, 1-based): chr22:28,734,646, T duplicated on the plus strand (A on the coding strand, the reverse complement: CHEK2 is on the minus strand). VCF-style (leftmost placement, unchanged base first): chr22-28734645-G-GT. GRCh37 (hg19) VCF-style: chr22-29130633-G-GT.
Other names: c.76dup, p.Thr26Asnfs (NM_001005735.3, NM_001349956.3, NM_145862.3); c.-702dup (NM_001257387.3); short protein forms T26fs.
Identifiers: ClinVar variation 2583330 (VCV002583330.2), dbSNP rs764156722, ClinGen allele CA10168076.

ClinVar aggregate classification (germline): Pathogenic (1 of 4 stars; one submission).

Conditions:
Familial cancer of breast. Also called: Hereditary breast cancer; BREAST CANCER, FAMILIAL; hereditary breast carcinoma. Identifiers: Orphanet 227535, MedGen C0346153, MONDO:0016419, OMIM 114480. Disease mechanism: loss of function.

Allele frequency attached by ClinVar (database versions not stated): gnomAD exomes below 0.00001; ExAC 0.00001.

Submission:

Myriad Genetics, Inc.
Classification: Pathogenic for Familial cancer of breast. Last evaluated: 2023-06-22. Review status: criteria provided, single submitter. Criteria: Myriad Autosomal Dominant, Autosomal Recessive and X-Linked Classification Criteria (2023). Collection method: clinical testing. Allele origin: unknown.
Comment: This variant is considered pathogenic. This variant creates a frameshift predicted to result in premature protein truncation.